The following is an entry in ClinVar:

ClinVar aggregate classification (germline): Benign. Review status: criteria provided, multiple submitters, no conflicts (2 of 4 stars). 2 submissions from 2 submitters: Benign (2). Last evaluated 2018-06-14.

Allele frequency attached by ClinVar (database versions not stated): gnomAD exomes 0.62740 and 0.64878; ExAC 0.65977; gnomAD 0.70264 and 0.70406; TOPMed 0.70524; ESP Exome Variant Server 0.70960; 1000 Genomes Project 0.73263; 1000 Genomes Project 30x 0.74126.
gnomAD v4.1: 1,023,243 of 1,613,114 alleles (63%); highest among the groups gnomAD compares: African/African-American, 92%; 329,422 homozygotes.

Submissions (2):

GeneDx
Classification: Benign. Last evaluated: 2018-06-14. Review status: criteria provided, single submitter. Criteria: GeneDx Variant Classification (06012015). Collection method: clinical testing. Allele origin: germline. Affected: yes.
Comment: This variant is considered likely benign or benign based on one or more of the following criteria: it is a conservative change, it occurs at a poorly conserved position in the protein, it is predicted to be benign by multiple in silico algorithms, and/or has population frequency not consistent with disease.

Breakthrough Genomics
Classification: Benign. Review status: criteria provided, single submitter. Criteria: ACMG Guidelines, 2015. Collection method: not provided. Allele origin: germline. Inheritance: Unknown mechanism. Affected: yes.

NM_002805.6(PSMC5):c.655C>T (p.Leu219=)

Gene: PSMC5 (proteasome 26S subunit, ATPase 5; plus strand). Cytogenetic location: 17q23.3.
Variant type: single nucleotide variant.
Coding change: c.655C>T on transcript NM_002805.6 (MANE Select); coding-DNA position 655, C replaced by T.
Protein change: p.Leu219=; no amino-acid change (leucine 219 retained).
Molecular consequence: synonymous variant.
Genome position (GRCh38, 1-based): chr17:63,830,911, C>T. VCF-style: chr17-63830911-C-T. GRCh37 (hg19) VCF-style: chr17-61908271-C-T.
Other names: c.631C>T, p.Leu211= (NM_001199163.2).
Identifiers: ClinVar variation 672382 (VCV000672382.2), dbSNP rs968719, ClinGen allele CA8705966.